The following is an entry in ClinVar:

NM_016107.5(ZFR):c.3106C>A (p.Pro1036Thr)

Gene: ZFR (zinc finger RNA binding protein; minus strand). Cytogenetic location: 5p13.3.
Variant type: single nucleotide variant.
Coding change: c.3106C>A on transcript NM_016107.5 (MANE Select); coding-DNA position 3106, C replaced by A.
Protein change: p.Pro1036Thr; replaces proline 1036 with threonine.
Molecular consequence: missense variant. On other transcripts: non-coding transcript variant (1).
Genome position (GRCh38, 1-based): chr5:32,355,879, G>T on the plus strand (C>A on the coding strand, the complement: ZFR is on the minus strand). VCF-style: chr5-32355879-G-T. GRCh37 (hg19) VCF-style: chr5-32355985-G-T.
Other names: short protein forms P1036T.
Identifiers: ClinVar variation 2188494 (VCV002188494.4), dbSNP rs199656667, ClinGen allele CA116805462.

ClinVar aggregate classification (germline): Uncertain significance (1 of 4 stars; one submission).

Conditions:
Pure or complex autosomal recessive spastic paraplegia. Identifiers: Orphanet 320346, MedGen C5679887, MONDO:0017915.

Allele frequency attached by ClinVar (database versions not stated): gnomAD exomes below 0.00001; TOPMed below 0.00001; gnomAD 0.00001.
gnomAD v4.1: 3 of 1,611,144 alleles (0.00019%); highest among the groups gnomAD compares: Non-Finnish European, 0.00025%; no homozygotes.

Submission:

Labcorp Genetics (formerly Invitae), Labcorp
Classification: Uncertain significance for Pure or complex autosomal recessive spastic paraplegia. Last evaluated: 2024-02-24. Review status: criteria provided, single submitter. Criteria: Invitae Variant Classification Sherloc (09022015). Collection method: clinical testing. Allele origin: germline.
Comment: This sequence change replaces proline, which is neutral and non-polar, with threonine, which is neutral and polar, at codon 1036 of the ZFR protein (p.Pro1036Thr). This variant is not present in population databases (gnomAD no frequency). This variant has not been reported in the literature in individuals affected with ZFR-related conditions. ClinVar contains an entry for this variant (Variation ID: 2188494). Experimental studies and prediction algorithms are not available or were not evaluated, and the functional significance of this variant is currently unknown. In summary, the available evidence is currently insufficient to determine the role of this variant in disease. Therefore, it has been classified as a Variant of Uncertain Significance.